The following is an entry in ClinVar:

NM_001876.4(CPT1A):c.491T>C (p.Leu164Ser)

Gene: CPT1A (carnitine palmitoyltransferase 1A; minus strand). Cytogenetic location: 11q13.3.
Variant type: single nucleotide variant.
Coding change: c.491T>C on transcript NM_001876.4 (MANE Select); coding-DNA position 491, T replaced by C.
Protein change: p.Leu164Ser; replaces leucine 164 with serine.
Molecular consequence: missense variant.
Genome position (GRCh38, 1-based): chr11:68,804,064, A>G on the plus strand (T>C on the coding strand, the complement: CPT1A is on the minus strand). VCF-style: chr11-68804064-A-G. GRCh37 (hg19) VCF-style: chr11-68571532-A-G.
Other names: c.491T>C, p.Leu164Ser (NM_001031847.3); short protein forms L164S.
Identifiers: ClinVar variation 1381461 (VCV001381461.6), dbSNP rs2154000557, ClinGen allele CA381636075.

ClinVar aggregate classification (germline): Uncertain significance (1 of 4 stars; one submission).

Conditions:
Carnitine palmitoyl transferase 1A deficiency. Also called: CPT deficiency, hepatic, type IA; CPT I DEFICIENCY; CPT DEFICIENCY, HEPATIC, TYPE I; Carnitine palmitoyltransferase 1A deficiency; Carnitine palmitoyltransferase type I deficiency. Identifiers: Orphanet 156, MedGen C1829703, MONDO:0009705, OMIM 255120.

Submission:

Labcorp Genetics (formerly Invitae), Labcorp
Classification: Uncertain significance for Carnitine palmitoyl transferase 1A deficiency. Last evaluated: 2021-09-17. Review status: criteria provided, single submitter. Criteria: Invitae Variant Classification Sherloc (09022015). Collection method: clinical testing. Allele origin: germline.
Comment: In summary, the available evidence is currently insufficient to determine the role of this variant in disease. Therefore, it has been classified as a Variant of Uncertain Significance. Algorithms developed to predict the effect of missense changes on protein structure and function are either unavailable or do not agree on the potential impact of this missense change (SIFT: "Deleterious"; PolyPhen-2: "Probably Damaging"; Align-GVGD: "Class C0"). This variant has not been reported in the literature in individuals affected with CPT1A-related conditions. This variant is not present in population databases (ExAC no frequency). This sequence change replaces leucine with serine at codon 164 of the CPT1A protein (p.Leu164Ser). The leucine residue is highly conserved and there is a large physicochemical difference between leucine and serine.